The following is an entry in ClinVar:

ClinVar aggregate classification (germline): Uncertain significance (1 of 4 stars; one submission).

Allele frequency attached by ClinVar (database versions not stated): ExAC 0.00001; gnomAD exomes 0.00001.
gnomAD v4.1: 4 of 1,614,046 alleles (0.00025%); highest among the groups gnomAD compares: Admixed American, 0.0067%; no homozygotes.

Submission:

Labcorp Genetics (formerly Invitae), Labcorp
Classification: Uncertain significance. Last evaluated: 2020-10-21. Review status: criteria provided, single submitter. Criteria: Invitae Variant Classification Sherloc (09022015). Collection method: clinical testing. Allele origin: germline.
Comment: This variant has not been reported in the literature in individuals with HYOU1-related conditions. In summary, the available evidence is currently insufficient to determine the role of this variant in disease. Therefore, it has been classified as a Variant of Uncertain Significance. Algorithms developed to predict the effect of missense changes on protein structure and function output the following: SIFT: "Tolerated"; PolyPhen-2: "Benign"; Align-GVGD: "Class C0". The arginine amino acid residue is found in multiple mammalian species, suggesting that this missense change does not adversely affect protein function. These predictions have not been confirmed by published functional studies and their clinical significance is uncertain. This variant is present in population databases (rs782409519, ExAC 0.009%). This sequence change replaces leucine with arginine at codon 930 of the HYOU1 protein (p.Leu930Arg). The leucine residue is weakly conserved and there is a moderate physicochemical difference between leucine and arginine.

NM_006389.5(HYOU1):c.2789T>G (p.Leu930Arg)

Gene: HYOU1 (hypoxia up-regulated 1; minus strand). Cytogenetic location: 11q23.3.
Variant type: single nucleotide variant.
Coding change: c.2789T>G on transcript NM_006389.5 (MANE Select); coding-DNA position 2789, T replaced by G.
Protein change: p.Leu930Arg; replaces leucine 930 with arginine.
Molecular consequence: missense variant.
Genome position (GRCh38, 1-based): chr11:119,046,609, A>C on the plus strand (T>G on the coding strand, the complement: HYOU1 is on the minus strand). VCF-style: chr11-119046609-A-C. GRCh37 (hg19) VCF-style: chr11-118917321-A-C.
Other names: c.2789T>G, p.Leu930Arg (NM_001130991.3); short protein forms L930R.
Identifiers: ClinVar variation 999604 (VCV000999604.8), dbSNP rs782409519, ClinGen allele CA229616812.